The following is an entry in ClinVar:

NM_001318734.2(KLC2):c.153G>T (p.Glu51Asp)

Gene: KLC2 (kinesin light chain 2; plus strand). Cytogenetic location: 11q13.2.
Variant type: single nucleotide variant.
Coding change: c.153G>T on transcript NM_001318734.2 (MANE Select); coding-DNA position 153, G replaced by T.
Protein change: p.Glu51Asp; replaces glutamic acid 51 with aspartic acid.
Molecular consequence: missense variant.
Genome position (GRCh38, 1-based): chr11:66,258,747, G>T. VCF-style: chr11-66258747-G-T. GRCh37 (hg19) VCF-style: chr11-66026218-G-T.
Other names: c.153G>T, p.Glu51Asp (NM_001134774.2, NM_001134775.2, NM_001134776.2 and 1 more transcripts); short protein forms E51D.
Identifiers: ClinVar variation 3616098 (VCV003616098.2).

ClinVar aggregate classification (germline): Uncertain significance (1 of 4 stars; one submission).

gnomAD v4.1: 52 of 1,613,502 alleles (0.0032%); highest among the groups gnomAD compares: Non-Finnish European, 0.0044%; no homozygotes.

Submission:

Labcorp Genetics (formerly Invitae), Labcorp
Classification: Uncertain significance. Last evaluated: 2024-03-07. Review status: criteria provided, single submitter. Criteria: Invitae Variant Classification Sherloc (09022015). Collection method: clinical testing. Allele origin: germline.
Comment: This sequence change replaces glutamic acid, which is acidic and polar, with aspartic acid, which is acidic and polar, at codon 51 of the KLC2 protein (p.Glu51Asp). This variant is present in population databases (rs781023952, gnomAD 0.005%). This variant has not been reported in the literature in individuals affected with KLC2-related conditions. An algorithm developed to predict the effect of missense changes on protein structure and function (PolyPhen-2) suggests that this variant is likely to be tolerated. In summary, the available evidence is currently insufficient to determine the role of this variant in disease. Therefore, it has been classified as a Variant of Uncertain Significance.